The following is an entry in ClinVar:

ClinVar aggregate classification (germline): Uncertain significance (1 of 4 stars; one submission).

gnomAD v4.1: 1 of 1,210,798 alleles (0.000083%); highest among the groups gnomAD compares: South Asian, 0.0018%; no homozygotes.

Submission:

GeneDx
Classification: Uncertain significance. Last evaluated: 2025-10-15. Review status: criteria provided, single submitter. Criteria: GeneDx Variant Classification Process June 2021. Collection method: clinical testing. Allele origin: germline. Affected: yes.
Comment: Not observed at significant frequency in large population cohorts (gnomAD); In silico analysis supports that this missense variant has a deleterious effect on protein structure/function; Has not been previously published as pathogenic or benign to our knowledge

NM_004208.4(AIFM1):c.925G>A (p.Gly309Ser)

Genes: AIFM1 (apoptosis inducing factor mitochondria associated 1; minus strand), RAB33A (RAB33A, member RAS oncogene family; plus strand). Cytogenetic location: Xq26.1.
Variant type: single nucleotide variant.
Coding change: c.925G>A on transcript NM_004208.4 (MANE Select); coding-DNA position 925, G replaced by A.
Protein change: p.Gly309Ser; replaces glycine 309 with serine.
Molecular consequence: missense variant. On other transcripts: non-coding transcript variant (1).
Genome position (GRCh38, 1-based): chrX:130,138,635, C>T on the plus strand (G>A on the coding strand, the complement: AIFM1 is on the minus strand). VCF-style: chrX-130138635-C-T. GRCh37 (hg19) VCF-style: chrX-129272610-C-T.
Other names: c.925G>A, p.Gly309Ser (NM_001130847.4); c.913G>A, p.Gly305Ser (NM_145812.3); short protein forms G305S, G309S.
Identifiers: ClinVar variation 3372124 (VCV003372124.2).